The following is an entry in ClinVar:

ClinVar aggregate classification (germline): Conflicting classifications of pathogenicity. Review status: criteria provided, conflicting classifications (1 of 4 stars). 2 submissions from 2 submitters: Likely pathogenic (1); Uncertain significance (1). Last evaluated 2022-02-02.

Conditions:
Skraban-Deardorff syndrome. Also called: WDR26-Related Intellectual Disability; INTELLECTUAL DISABILITY WITH SEIZURES, ABNORMAL GAIT, AND DISTINCTIVE FACIAL FEATURES. Identifiers: Orphanet 513456, MedGen C4539927, MONDO:0054636, OMIM 617616.

Submissions (2):

Victorian Clinical Genetics Services, Murdoch Childrens Research Institute
Classification: Likely pathogenic for Skraban-Deardorff syndrome. Last evaluated: 2022-02-02. Review status: criteria provided, single submitter. Criteria: ACMG Guidelines, 2015. Collection method: clinical testing. Allele origin: germline. Inheritance: Autosomal dominant inheritance. Affected: yes.
Comment: Based on the classification scheme VCGS_Germline_v1.3.4, this variant is classified as Likely pathogenic. Following criteria are met: 0102 - Loss of function is a known mechanism of disease in this gene and is associated with Skraban-Deardorff syndrome (MIM#617616). (I) 0107 - This gene is associated with autosomal dominant disease. (I) 0200 - Variant is predicted to result in a missense amino acid change from leucine to valine. (I) 0251 - This variant is heterozygous. (I) 0301 - Variant is absent from gnomAD (both v2 and v3). (SP) 0501 - Missense variant consistently predicted to be damaging by multiple in silico tools or highly conserved with a major amino acid change. (SP) 0604 - Variant is not located in an established domain, motif, hotspot or informative constraint region. (I) 0705 - No comparable missense variants have previous evidence for pathogenicity. (I) 0807 - This variant has no previous evidence of pathogenicity. (I) 0905 - No published segregation evidence has been identified for this variant. (I) 1007 - No published functional evidence has been identified for this variant. (SP) Legend: (SP) - Supporting pathogenic, (I) - Information, (SB) - Supporting benign

GeneDx
Classification: Uncertain significance. Last evaluated: 2021-01-07. Review status: criteria provided, single submitter. Criteria: GeneDx Variant Classification Process June 2021. Collection method: clinical testing. Allele origin: germline. Affected: yes.
Comment: Not observed in large population cohorts (Lek et al., 2016); In silico analysis supports that this missense variant has a deleterious effect on protein structure/function; Has not been previously published as pathogenic or benign to our knowledge

NM_001379403.1(WDR26):c.1006C>G (p.Leu336Val)

Gene: WDR26 (WD repeat domain 26; minus strand). Cytogenetic location: 1q42.12.
Variant type: single nucleotide variant.
Coding change: c.1006C>G on transcript NM_001379403.1 (MANE Select); coding-DNA position 1006, C replaced by G.
Protein change: p.Leu336Val; replaces leucine 336 with valine.
Molecular consequence: missense variant.
Genome position (GRCh38, 1-based): chr1:224,424,576, G>C on the plus strand (C>G on the coding strand, the complement: WDR26 is on the minus strand). VCF-style: chr1-224424576-G-C. GRCh37 (hg19) VCF-style: chr1-224612278-G-C.
Other names: c.658C>G, p.Leu220Val (NM_001115113.3); c.706C>G, p.Leu236Val (NM_025160.7); short protein forms L220V, L236V, L336V.
Identifiers: ClinVar variation 1314042 (VCV001314042.5), dbSNP rs2102919542, ClinGen allele CA344751074.